The following is an entry in ClinVar:

NM_001040108.2(MLH3):c.971C>G (p.Ala324Gly)

Gene: MLH3 (mutL homolog 3; minus strand). Cytogenetic location: 14q24.3.
Variant type: single nucleotide variant.
Coding change: c.971C>G on transcript NM_001040108.2 (MANE Select); coding-DNA position 971, C replaced by G.
Protein change: p.Ala324Gly; replaces alanine 324 with glycine.
Molecular consequence: missense variant.
Genome position (GRCh38, 1-based): chr14:75,048,685, G>C on the plus strand (C>G on the coding strand, the complement: MLH3 is on the minus strand). VCF-style: chr14-75048685-G-C. GRCh37 (hg19) VCF-style: chr14-75515388-G-C.
Other names: c.971C>G, p.Ala324Gly (NM_014381.3); short protein forms A324G.
Identifiers: ClinVar variation 1767968 (VCV001767968.5), dbSNP rs1469204233, ClinGen allele CA390448452.

ClinVar aggregate classification (germline): Uncertain significance. Review status: criteria provided, multiple submitters, no conflicts (2 of 4 stars). 2 submissions from 2 submitters: Uncertain significance (2). Last evaluated 2024-03-22.

Conditions:
Colorectal cancer, hereditary nonpolyposis, type 7. Identifiers: Orphanet 144, MedGen C1858380, MONDO:0013725, OMIM 614385.

Allele frequency attached by ClinVar (database versions not stated): gnomAD exomes 0.00001.
gnomAD v4.1: 5 of 1,614,080 alleles (0.00031%); highest among the groups gnomAD compares: East Asian, 0.011%; no homozygotes.

Submissions (2):

Ambry Genetics
Classification: Uncertain significance. Last evaluated: 2024-03-22. Review status: criteria provided, single submitter. Criteria: Ambry Variant Classification Scheme 2023. Collection method: clinical testing. Allele origin: germline.
Comment: The p.A324G variant (also known as c.971C>G), located in coding exon 1 of the MLH3 gene, results from a C to G substitution at nucleotide position 971. The alanine at codon 324 is replaced by glycine, an amino acid with similar properties. This amino acid position is well conserved in available vertebrate species. In addition, the in silico prediction for this alteration is inconclusive. Since supporting evidence is limited at this time, the clinical significance of this alteration remains unclear.

Labcorp Genetics (formerly Invitae), Labcorp
Classification: Uncertain significance for Colorectal cancer, hereditary nonpolyposis, type 7. Last evaluated: 2023-09-29. Review status: criteria provided, single submitter. Criteria: Invitae Variant Classification Sherloc (09022015). Collection method: clinical testing. Allele origin: germline.
Comment: In summary, the available evidence is currently insufficient to determine the role of this variant in disease. Therefore, it has been classified as a Variant of Uncertain Significance. An algorithm developed to predict the effect of missense changes on protein structure and function (PolyPhen-2) suggests that this variant is likely to be disruptive. ClinVar contains an entry for this variant (Variation ID: 1767968). This variant has not been reported in the literature in individuals affected with MLH3-related conditions. This variant is present in population databases (no rsID available, gnomAD 0.006%). This sequence change replaces alanine, which is neutral and non-polar, with glycine, which is neutral and non-polar, at codon 324 of the MLH3 protein (p.Ala324Gly).